The following is an entry in ClinVar:

ClinVar aggregate classification (germline): Pathogenic (1 of 4 stars; one submission).

Conditions:
Choroideremia. Also called: Chorioretinal scalloped atrophy. Identifiers: Orphanet 180, MedGen C0008525, MONDO:0010557, OMIM 303100, HP:0001139.

Submission:

MVZ Medizinische Genetik Mainz
Classification: Pathogenic for Choroideremia. Last evaluated: 2023-01-12. Review status: criteria provided, single submitter. Criteria: UK Practice Guidelines For Variant Classification V4 01 2020. Collection method: clinical testing. Allele origin: germline. Inheritance: X-linked dominant inheritance. Affected: yes. Observed: 1 variant allele.
Comment: ACMG Criteria: PVS1, PM2_SUP, PP4

NM_000390.4(CHM):c.1615G>T (p.Glu539Ter)

Gene: CHM (CHM Rab escort protein; minus strand). Cytogenetic location: Xq21.2.
Variant type: single nucleotide variant.
Coding change: c.1615G>T on transcript NM_000390.4 (MANE Select); coding-DNA position 1615, G replaced by T.
Protein change: p.Glu539Ter; replaces glutamic acid 539 with a stop codon.
Molecular consequence: nonsense.
Genome position (GRCh38, 1-based): chrX:85,873,207, C>A on the plus strand (G>T on the coding strand, the complement: CHM is on the minus strand). VCF-style: chrX-85873207-C-A. GRCh37 (hg19) VCF-style: chrX-85128212-C-A.
Other names: c.1171G>T, p.Glu391Ter (NM_001320959.1, NM_001362517.1, NM_001362518.2 and 1 more transcripts); short protein forms E391*, E539*.
Identifiers: ClinVar variation 3066254 (VCV003066254.1), dbSNP rs2520014875, ClinGen allele CA413787063.